The following is an entry in ClinVar:

ClinVar aggregate classification (germline): Likely benign (1 of 4 stars; one submission).

Allele frequency attached by ClinVar (database versions not stated): gnomAD 0.00113; 1000 Genomes Project 30x 0.00125; TOPMed 0.00135; ESP Exome Variant Server 0.00138; 1000 Genomes Project 0.00140; gnomAD exomes 0.00164; ExAC 0.00171.
gnomAD v4.1: 2,605 of 1,614,046 alleles (0.16%); highest among the groups gnomAD compares: Middle Eastern, 0.82%; 11 homozygotes.

Submissions (3):

CeGaT Center for Human Genetics Tuebingen
Classification: Likely benign. Last evaluated: 2022-05-01. Review status: criteria provided, single submitter. Criteria: CeGaT Center For Human Genetics Tuebingen Variant Classification Criteria Version 2. Collection method: clinical testing. Allele origin: germline. Affected: yes. Observed: 1 variant allele.
Comment: ZNF350: BP4

Dr. Peter K. Rogan Lab, Western University
No classification provided (evidence only). Condition: Familial cancer of breast. Review status: no classification provided. Collection method: in vitro. Allele origin: not applicable. Functional consequence: retained intron. Not counted in ClinVar's aggregate classification.

Dr. Peter K. Rogan Lab, Western University
No classification provided (evidence only). Condition: Colorectal cancer. Review status: no classification provided. Collection method: in vitro. Allele origin: not applicable. Functional consequence: retained intron. Not counted in ClinVar's aggregate classification.

NM_021632.4(ZNF350):c.1179A>C (p.Gln393His)

Genes: ZNF350 (zinc finger protein 350; minus strand), ZNF350-AS1 (ZNF350 antisense RNA 1; plus strand). Cytogenetic location: 19q13.41.
Variant type: single nucleotide variant.
Coding change: c.1179A>C on transcript NM_021632.4 (MANE Select); coding-DNA position 1179, A replaced by C.
Protein change: p.Gln393His; replaces glutamine 393 with histidine.
Molecular consequence: missense variant.
Genome position (GRCh38, 1-based): chr19:51,965,274, T>G on the plus strand (A>C on the coding strand, the complement: ZNF350 is on the minus strand). VCF-style: chr19-51965274-T-G. GRCh37 (hg19) VCF-style: chr19-52468527-T-G.
Other names: NC_000019.9:g.52468527T>G; short protein forms Q393H.
Identifiers: ClinVar variation 2650381 (VCV002650381.25), dbSNP rs4988335, ClinGen allele CA9618097.